The following is an entry in ClinVar:

ClinVar aggregate classification (germline): Pathogenic. Review status: criteria provided, multiple submitters, no conflicts (2 of 4 stars). 2 submissions from 2 submitters: Pathogenic (2). Last evaluated 2025-11-24.

Conditions:
Hereditary breast ovarian cancer syndrome. Also called: Hereditary breast and ovarian cancer; Hereditary breast and/or ovarian cancer syndrome; Hereditary breast and ovarian cancer syndrome; Hereditary breast and ovarian cancer syndrome (HBOC); Breast and ovarian cancer; BRCA1- and BRCA2-Associated Hereditary Breast and Ovarian Cancer. Identifiers: Orphanet 145, MedGen C0677776, MeSH D061325, MONDO:0003582. Disease mechanism: loss of function.

Submissions (2):

Labcorp Genetics (formerly Invitae), Labcorp
Classification: Pathogenic for Hereditary breast ovarian cancer syndrome. Last evaluated: 2025-11-24. Review status: criteria provided, single submitter. Criteria: Invitae Variant Classification Sherloc (09022015). Collection method: clinical testing. Allele origin: germline.
Comment: This sequence change creates a premature translational stop signal (p.Asn2101Lysfs*10) in the BRCA2 gene. It is expected to result in an absent or disrupted protein product. Loss-of-function variants in BRCA2 are known to be pathogenic (PMID: 20104584). This variant is not present in population databases (gnomAD no frequency). This premature translational stop signal has been observed in individual(s) with colon cancer (PMID: 31350202). ClinVar contains an entry for this variant (Variation ID: 545812). For these reasons, this variant has been classified as Pathogenic.

GeneDx
Classification: Pathogenic. Last evaluated: 2017-08-03. Review status: criteria provided, single submitter. Criteria: GeneDx Variant Classification (06012015). Collection method: clinical testing. Allele origin: germline. Affected: yes.
Comment: This duplication of one nucleotide in BRCA2 is denoted c.6302dupA at the cDNA level and p.Asn2101LysfsX10 (N2101KfsX10) at the protein level. Using alternate nomenclature, this variant would be defined as BRCA2 6530dupA or 6530insA. The normal sequence, with the base that is duplicated in brackets, is CAAA[dupA]TGTA. The duplication causes a frameshift which changes an Asparagine to a Lysine at codon 2101, and creates a premature stop codon at position 10 of the new reading frame. Although this variant has not, to our knowledge, been reported in the literature, it is predicted to cause loss of normal protein function through protein truncation. We consider this variant to be pathogenic.

Literature cited by the submitters: PubMed 20104584 (cited by Labcorp Genetics (formerly Invitae), Labcorp); PubMed 31350202 (cited by Labcorp Genetics (formerly Invitae), Labcorp).

NM_000059.4(BRCA2):c.6302dup (p.Asn2101fs)

Gene: BRCA2 (BRCA2 DNA repair associated; plus strand). Cytogenetic location: 13q13.1.
Variant type: Duplication.
Coding change: c.6302dup on transcript NM_000059.4 (MANE Select); coding-DNA position 6302, one base duplicated (A; older notation c.6302dupA).
Protein change: p.Asn2101fs; shifts the reading frame from asparagine 2101.
Molecular consequence: frameshift variant.
Genome position (GRCh38, 1-based): chr13:32,340,657, A duplicated; the last of 4 consecutive A bases (chr13:32,340,654-32,340,657); duplicating any one gives the same sequence. VCF-style (leftmost placement, unchanged base first): chr13-32340653-C-CA. GRCh37 (hg19) VCF-style: chr13-32914790-C-CA.
Other names: c.6302dupA (NM_000059.3); short protein forms N2101fs.
Identifiers: ClinVar variation 545812 (VCV000545812.51), dbSNP rs397507839, ClinGen allele CA658823706.
Genomic context (GRCh38, chr13:32,340,653, plus strand): 5'-TTAGAGGAATTTGATTTAATCAGAACTGAGCATAGTCTTCACTATTCACCTACGTCTAGA[C>CA]AAAATGTATCAAAAATACTTCCTCGTGTTGATAAGAGAAACCCAGAGCACTGTGTAAACT-3'